The following is an entry in ClinVar:

ClinVar aggregate classification (germline): Likely pathogenic. Review status: criteria provided, multiple submitters, no conflicts (2 of 4 stars). 2 submissions from 2 submitters: Likely pathogenic (2). Last evaluated 2023-11-15.

Conditions:
Mucopolysaccharidosis type 6 (MPS6). Also called: N-ACETYLGALACTOSAMINE-4-SULFATASE DEFICIENCY; MPS VI; MPS 6; Maroteaux Lamy syndrome; ARSB DEFICIENCY; ARYLSULFATASE B DEFICIENCY. Identifiers: Orphanet 583, MedGen C0026709, MONDO:0009661, OMIM 253200.

Submissions (2):

Baylor Genetics
Classification: Likely pathogenic for Mucopolysaccharidosis type 6. Last evaluated: 2023-11-15. Review status: criteria provided, single submitter. Criteria: ACMG Guidelines, 2015. Collection method: clinical testing. Allele origin: unknown.

Laboratory of Diagnosis and Therapy of Lysosomal Disorders, University of Padova
Classification: Likely pathogenic for Mucopolysaccharidosis type 6. Last evaluated: 2018-01-01. Review status: criteria provided, single submitter. Criteria: ACMG Guidelines, 2015. Collection method: curation. Allele origin: germline. Affected: yes.
Comment: Nonsense variant (PVS1); Absent from GnomAD (PM2)

Literature cited by the submitters: PubMed 10923267 (cited by Laboratory of Diagnosis and Therapy of Lysosomal Disorders, University of Padova); PubMed 30118150 (cited by Laboratory of Diagnosis and Therapy of Lysosomal Disorders, University of Padova).

NM_000046.5(ARSB):c.1539C>G (p.Tyr513Ter)

Gene: ARSB (arylsulfatase B; minus strand). Cytogenetic location: 5q14.1.
Variant type: single nucleotide variant.
Coding change: c.1539C>G on transcript NM_000046.5 (MANE Select); coding-DNA position 1539, C replaced by G.
Protein change: p.Tyr513Ter; replaces tyrosine 513 with a stop codon.
Molecular consequence: nonsense.
Genome position (GRCh38, 1-based): chr5:78,780,460, G>C on the plus strand (C>G on the coding strand, the complement: ARSB is on the minus strand). VCF-style: chr5-78780460-G-C. GRCh37 (hg19) VCF-style: chr5-78076283-G-C.
Other names: short protein forms Y513*.
Identifiers: ClinVar variation 559722 (VCV000559722.2), dbSNP rs1251438062, ClinGen allele CA360338895.